The following is an entry in ClinVar:

ClinVar aggregate classification (germline): Uncertain significance. Review status: criteria provided, multiple submitters, no conflicts (2 of 4 stars). 2 submissions from 2 submitters: Uncertain significance (2). Last evaluated 2024-10-28.

Conditions:
Inflammatory bowel disease 28. Also called: Inflammatory bowel disease 28, early onset, autosomal recessive. Identifiers: Orphanet 238569, MedGen C2751053, MONDO:0013153, OMIM 613148.

Allele frequency attached by ClinVar (database versions not stated): TOPMed 0.00002; ExAC 0.00003; gnomAD 0.00005; ESP Exome Variant Server 0.00008.
gnomAD v4.1: 44 of 1,613,978 alleles (0.0027%); highest among the groups gnomAD compares: Non-Finnish European, 0.0034%; no homozygotes.

Submissions (2):

Labcorp Genetics (formerly Invitae), Labcorp
Classification: Uncertain significance for Inflammatory bowel disease 28. Last evaluated: 2024-10-28. Review status: criteria provided, single submitter. Criteria: Invitae Variant Classification Sherloc (09022015). Collection method: clinical testing. Allele origin: germline.
Comment: This sequence change replaces alanine, which is neutral and non-polar, with threonine, which is neutral and polar, at codon 85 of the IL10RA protein (p.Ala85Thr). This variant is present in population databases (rs148441092, gnomAD 0.007%). This variant has not been reported in the literature in individuals affected with IL10RA-related conditions. ClinVar contains an entry for this variant (Variation ID: 1054632). Invitae Evidence Modeling of protein sequence and biophysical properties (such as structural, functional, and spatial information, amino acid conservation, physicochemical variation, residue mobility, and thermodynamic stability) indicates that this missense variant is not expected to disrupt IL10RA protein function with a negative predictive value of 80%. In summary, the available evidence is currently insufficient to determine the role of this variant in disease. Therefore, it has been classified as a Variant of Uncertain Significance.

Institute for Clinical Genetics, University Hospital TU Dresden, University Hospital TU Dresden
Classification: Uncertain significance. Last evaluated: 2021-11-03. Review status: criteria provided, single submitter. Criteria: ACMG Guidelines, 2015. Collection method: clinical testing. Allele origin: germline.

NM_001558.4(IL10RA):c.253G>A (p.Ala85Thr)

Gene: IL10RA (interleukin 10 receptor subunit alpha; plus strand). Cytogenetic location: 11q23.3.
Variant type: single nucleotide variant.
Coding change: c.253G>A on transcript NM_001558.4 (MANE Select); coding-DNA position 253, G replaced by A.
Protein change: p.Ala85Thr; replaces alanine 85 with threonine.
Molecular consequence: missense variant. On other transcripts: non-coding transcript variant (1).
Genome position (GRCh38, 1-based): chr11:117,989,506, G>A. VCF-style: chr11-117989506-G-A. GRCh37 (hg19) VCF-style: chr11-117860221-G-A.
Other names: short protein forms A85T.
Identifiers: ClinVar variation 1054632 (VCV001054632.10), dbSNP rs148441092, ClinGen allele CA6298882.